The following is an entry in ClinVar:

NM_001854.4(COL11A1):c.3169-3T>C

Gene: COL11A1 (collagen type XI alpha 1 chain; minus strand). Cytogenetic location: 1p21.1.
Variant type: single nucleotide variant.
Coding change: c.3169-3T>C on transcript NM_001854.4 (MANE Select); 3 bases into the intron before coding-DNA position 3169, T replaced by C.
Molecular consequence: intron variant.
Genome position (GRCh38, 1-based): chr1:102,946,959, A>G on the plus strand (T>C on the coding strand, the complement: COL11A1 is on the minus strand). VCF-style: chr1-102946959-A-G. GRCh37 (hg19) VCF-style: chr1-103412515-A-G.
Other names: c.3052-3T>C (NM_001190709.2); c.3205-3T>C (NM_080629.3); c.2821-3T>C (NM_080630.4).
Identifiers: ClinVar variation 2712691 (VCV002712691.3), dbSNP rs1659356706, ClinGen allele CA1185258788.

ClinVar aggregate classification (germline): Uncertain significance (1 of 4 stars; one submission).

Allele frequency attached by ClinVar (database versions not stated): gnomAD exomes below 0.00001.

Submission:

Labcorp Genetics (formerly Invitae), Labcorp
Classification: Uncertain significance. Last evaluated: 2023-06-05. Review status: criteria provided, single submitter. Criteria: Invitae Variant Classification Sherloc (09022015). Collection method: clinical testing. Allele origin: germline.
Comment: In summary, the available evidence is currently insufficient to determine the role of this variant in disease. Therefore, it has been classified as a Variant of Uncertain Significance. Variants that disrupt the consensus splice site are a relatively common cause of aberrant splicing (PMID: 17576681, 9536098). Algorithms developed to predict the effect of sequence changes on RNA splicing suggest that this variant is not likely to affect RNA splicing. This variant has not been reported in the literature in individuals affected with COL11A1-related conditions. This variant is not present in population databases (gnomAD no frequency). This sequence change falls in intron 41 of the COL11A1 gene. It does not directly change the encoded amino acid sequence of the COL11A1 protein. It affects a nucleotide within the consensus splice site.

Literature cited by the submitters: PubMed 17576681; PubMed 9536098.